The following is an entry in ClinVar:

NM_017672.6(TRPM7):c.1680G>C (p.Lys560Asn)

Gene: TRPM7 (transient receptor potential cation channel subfamily M member 7; minus strand). Cytogenetic location: 15q21.2.
Variant type: single nucleotide variant.
Coding change: c.1680G>C on transcript NM_017672.6 (MANE Select); coding-DNA position 1680, G replaced by C.
Protein change: p.Lys560Asn; replaces lysine 560 with asparagine.
Molecular consequence: missense variant. On other transcripts: non-coding transcript variant (3).
Genome position (GRCh38, 1-based): chr15:50,613,797, C>G on the plus strand (G>C on the coding strand, the complement: TRPM7 is on the minus strand). VCF-style: chr15-50613797-C-G. GRCh37 (hg19) VCF-style: chr15-50905994-C-G.
Other names: c.1680G>C, p.Lys560Asn (NM_001301212.2); short protein forms K560N.
Identifiers: ClinVar variation 3897500 (VCV003897500.1).

ClinVar aggregate classification (germline): Uncertain significance (1 of 4 stars; one submission).

Submission:

GeneDx
Classification: Uncertain significance. Last evaluated: 2024-10-31. Review status: criteria provided, single submitter. Criteria: GeneDx Variant Classification Process June 2021. Collection method: clinical testing. Allele origin: germline. Affected: yes.
Comment: Not observed at significant frequency in large population cohorts (gnomAD); In silico analysis indicates that this missense variant does not alter protein structure/function; Has not been previously published as pathogenic or benign to our knowledge